The following is an entry in ClinVar:

NM_033400.3(ZFHX2):c.2627C>T (p.Ala876Val)

Genes: THTPA (thiamine triphosphatase; plus strand), ZFHX2 (zinc finger homeobox 2; minus strand). Cytogenetic location: 14q11.2.
Variant type: single nucleotide variant.
Coding change: c.2627C>T on transcript NM_033400.3 (MANE Select); coding-DNA position 2627, C replaced by T.
Protein change: p.Ala876Val; replaces alanine 876 with valine.
Molecular consequence: missense variant.
Genome position (GRCh38, 1-based): chr14:23,531,654, G>A on the plus strand (C>T on the coding strand, the complement: ZFHX2 is on the minus strand). VCF-style: chr14-23531654-G-A. GRCh37 (hg19) VCF-style: chr14-24000863-G-A.
Other names: c.2627C>T (NM_033400.2); short protein forms A876V.
Identifiers: ClinVar variation 1879273 (VCV001879273.31), dbSNP rs201801159, ClinGen allele CA7117055.

ClinVar aggregate classification (germline): Conflicting classifications of pathogenicity. Review status: criteria provided, conflicting classifications (1 of 4 stars). 3 submissions from 3 submitters: Uncertain significance (1); Likely benign (2). Last evaluated 2026-04-01.

Conditions:
Indifference to pain, congenital, autosomal dominant. Also called: CONGENITAL ANALGESIA, AUTOSOMAL DOMINANT. Identifiers: MedGen C4538468, OMIM 147430, MONDO:0007828.

Allele frequency attached by ClinVar (database versions not stated): ExAC 0.00012; 1000 Genomes Project 30x 0.00031; gnomAD 0.00036; TOPMed 0.00036; 1000 Genomes Project 0.00040; gnomAD exomes 0.00062.
gnomAD v4.1: 932 of 1,507,378 alleles (0.062%); highest among the groups gnomAD compares: Non-Finnish European, 0.075%; 3 homozygotes.

Submissions (3):

CeGaT Center for Human Genetics Tuebingen
Classification: Likely benign. Last evaluated: 2026-04-01. Review status: criteria provided, single submitter. Criteria: CeGaT Center For Human Genetics Tuebingen Variant Classification Criteria Version 2. Collection method: clinical testing. Allele origin: germline. Affected: yes. Observed: 3 variant alleles.
Comment: ZFHX2: BS1

Ambry Genetics
Classification: Uncertain significance. Last evaluated: 2025-07-31. Review status: criteria provided, single submitter. Criteria: Ambry Variant Classification Scheme 2023. Collection method: clinical testing. Allele origin: germline.

Department of Pathology and Laboratory Medicine, Sinai Health System
Classification: Likely benign for Indifference to pain, congenital, autosomal dominant. Last evaluated: 2020-04-29. Review status: criteria provided, single submitter. Criteria: ACMG Guidelines, 2015. Collection method: research. Allele origin: germline.